The following is an entry in ClinVar:

NM_021120.4(DLG3):c.2371G>T (p.Glu791Ter)

Gene: DLG3 (discs large MAGUK scaffold protein 3; plus strand). Cytogenetic location: Xq13.1.
Variant type: single nucleotide variant.
Coding change: c.2371G>T on transcript NM_021120.4 (MANE Select); coding-DNA position 2371, G replaced by T.
Protein change: p.Glu791Ter; replaces glutamic acid 791 with a stop codon.
Molecular consequence: nonsense.
Genome position (GRCh38, 1-based): chrX:70,502,186, G>T. VCF-style: chrX-70502186-G-T. GRCh37 (hg19) VCF-style: chrX-69722036-G-T.
Other names: c.1018G>T, p.Glu340Ter (NM_001166278.2); c.1456G>T, p.Glu486Ter (NM_020730.3); short protein forms E340*, E486*, E791*.
Identifiers: ClinVar variation 3770160 (VCV003770160.1).

ClinVar aggregate classification (germline): Likely pathogenic (1 of 4 stars; one submission).

Conditions:
Intellectual developmental disorder, X-linked 90. Also called: DLG3-Related X-Linked Nonsyndromic Mental Retardation; Intellectual disability, X-linked 90. Identifiers: Orphanet 777, MedGen C3275443, MONDO:0010452, OMIM 300850.

Submission:

Equipe Genetique des Anomalies du Developpement, Université de Bourgogne
Classification: Likely pathogenic for Intellectual developmental disorder, X-linked 90. Last evaluated: 2025-01-31. Review status: criteria provided, single submitter. Criteria: ACMG Guidelines, 2015. Collection method: clinical testing. Allele origin: germline. Affected: yes.
Comment: This variant is a nonsense at position 791, likely resulting in a disrupted protein and is present in the hemizygous state. Hemizygous pathogenic variants in DLG3 are reported in an autosomal dominant intellectual disability (OMIM #300850). This variant is not present in population database gnomAD (v4.1.0). It has not been reported in ClinVar and in the literature. Based on these evidences, the variant was classified as likely pathogenic.